The following is an entry in ClinVar:

ClinVar aggregate classification (germline): Uncertain significance (1 of 4 stars; one submission).

Conditions:
Hajdu-Cheney syndrome (HJCYS). Also called: Acroosteolysis dominant type; ACROOSTEOLYSIS WITH OSTEOPOROSIS AND CHANGES IN SKULL AND MANDIBLE; SERPENTINE FIBULA-POLYCYSTIC KIDNEY SYNDROME. Identifiers: Orphanet 955, MedGen C0917715, MONDO:0007057, OMIM 102500.

Submission:

Labcorp Genetics (formerly Invitae), Labcorp
Classification: Uncertain significance for Hajdu-Cheney syndrome. Last evaluated: 2025-08-12. Review status: criteria provided, single submitter. Criteria: Invitae Variant Classification Sherloc (09022015). Collection method: clinical testing. Allele origin: germline.
Comment: This sequence change falls in intron 15 of the NOTCH2 gene. It does not directly change the encoded amino acid sequence of the NOTCH2 protein. It affects a nucleotide within the consensus splice site. This variant is not present in population databases (gnomAD no frequency). This variant has not been reported in the literature in individuals affected with NOTCH2-related conditions. Variants that disrupt the consensus splice site are a relatively common cause of aberrant splicing (PMID: 17576681, 9536098). Algorithms developed to predict the effect of sequence changes on RNA splicing suggest that this variant is not likely to affect RNA splicing. In summary, the available evidence is currently insufficient to determine the role of this variant in disease. Therefore, it has been classified as a Variant of Uncertain Significance.

Literature cited by the submitters: PubMed 17576681; PubMed 9536098.

NM_024408.4(NOTCH2):c.2480-3T>C

Gene: NOTCH2 (notch receptor 2; minus strand). Cytogenetic location: 1p12.
Variant type: single nucleotide variant.
Coding change: c.2480-3T>C on transcript NM_024408.4 (MANE Select); 3 bases into the intron before coding-DNA position 2480, T replaced by C.
Molecular consequence: intron variant.
Genome position (GRCh38, 1-based): chr1:119,949,129, A>G on the plus strand (T>C on the coding strand, the complement: NOTCH2 is on the minus strand). VCF-style: chr1-119949129-A-G. GRCh37 (hg19) VCF-style: chr1-120491752-A-G.
Other names: c.2480-3T>C (NM_001200001.2).
Identifiers: ClinVar variation 4740197 (VCV004740197.1).